The following is an entry in ClinVar:

NM_000240.4(MAOA):c.424G>T (p.Ala142Ser)

Gene: MAOA (monoamine oxidase A; plus strand). Cytogenetic location: Xp11.3.
Variant type: single nucleotide variant.
Coding change: c.424G>T on transcript NM_000240.4 (MANE Select); coding-DNA position 424, G replaced by T.
Protein change: p.Ala142Ser; replaces alanine 142 with serine.
Molecular consequence: missense variant.
Genome position (GRCh38, 1-based): chrX:43,712,717, G>T. VCF-style: chrX-43712717-G-T. GRCh37 (hg19) VCF-style: chrX-43571964-G-T.
Other names: c.25G>T, p.Ala9Ser (NM_001270458.2); short protein forms A142S, A9S.
Identifiers: ClinVar variation 451276 (VCV000451276.2), dbSNP rs1555948045, ClinGen allele CA413005057.

ClinVar aggregate classification (germline): Uncertain significance (1 of 4 stars; one submission).

Submission:

GeneDx
Classification: Uncertain significance. Last evaluated: 2017-08-15. Review status: criteria provided, single submitter. Criteria: GeneDx Variant Classification (06012015). Collection method: clinical testing. Allele origin: germline. Affected: yes.
Comment: The A142S variant in the MAOA gene has not been reported previously as a pathogenic variant, nor as a benign variant, to our knowledge. This variant is not observed in large population cohorts (Lek et al., 2016; 1000 Genomes Consortium et al., 2015; Exome Variant Server). The A142S variant is a non-conservative amino acid substitution, which is likely to impact secondary protein structure as these residues differ in polarity, charge, size and/or other properties. In addition, this substitution occurs at a position that is conserved across species. However, in silico analysis is inconsistent in its predictions as to whether or not the variant is damaging to the protein structure/function. Therefore, we interpret A142S as a variant of uncertain significance.